The following is an entry in ClinVar:

NM_177438.3(DICER1):c.4604G>C (p.Cys1535Ser)

Gene: DICER1 (dicer 1, ribonuclease III; minus strand). Cytogenetic location: 14q32.13.
Variant type: single nucleotide variant.
Coding change: c.4604G>C on transcript NM_177438.3 (MANE Select); coding-DNA position 4604, G replaced by C.
Protein change: p.Cys1535Ser; replaces cysteine 1535 with serine.
Molecular consequence: missense variant.
Genome position (GRCh38, 1-based): chr14:95,096,316, C>G on the plus strand (G>C on the coding strand, the complement: DICER1 is on the minus strand). VCF-style: chr14-95096316-C-G. GRCh37 (hg19) VCF-style: chr14-95562653-C-G.
Other names: c.4604G>C, p.Cys1535Ser (NM_001195573.1, NM_001271282.3, NM_001291628.2 and 1 more transcripts); short protein forms C1535S.
Identifiers: ClinVar variation 1366212 (VCV001366212.9), dbSNP rs1211879881, ClinGen allele CA390867710.

ClinVar aggregate classification (germline): Uncertain significance (1 of 4 stars; one submission).

Conditions:
DICER1-related tumor predisposition. Also called: DICER1-related pleuropulmonary blastoma cancer predisposition syndrome; DICER1 syndrome. Identifiers: Orphanet 284343, MedGen C3839822, MONDO:0100216.

Submission:

Labcorp Genetics (formerly Invitae), Labcorp
Classification: Uncertain significance for DICER1-related tumor predisposition. Last evaluated: 2021-01-20. Review status: criteria provided, single submitter. Criteria: Invitae Variant Classification Sherloc (09022015). Collection method: clinical testing. Allele origin: germline.
Comment: In summary, the available evidence is currently insufficient to determine the role of this variant in disease. Therefore, it has been classified as a Variant of Uncertain Significance. Algorithms developed to predict the effect of missense changes on protein structure and function are either unavailable or do not agree on the potential impact of this missense change (SIFT: "Deleterious"; PolyPhen-2: "Benign"; Align-GVGD: "Class C0"). This variant has not been reported in the literature in individuals with DICER1-related conditions. This variant is not present in population databases (ExAC no frequency). This sequence change replaces cysteine with serine at codon 1535 of the DICER1 protein (p.Cys1535Ser). The cysteine residue is moderately conserved and there is a moderate physicochemical difference between cysteine and serine.